The following is an entry in ClinVar:

NM_025137.4(SPG11):c.3680A>G (p.Lys1227Arg)

Gene: SPG11 (SPG11 vesicle trafficking associated, spatacsin; minus strand). Cytogenetic location: 15q21.1.
Variant type: single nucleotide variant.
Coding change: c.3680A>G on transcript NM_025137.4 (MANE Select); coding-DNA position 3680, A replaced by G.
Protein change: p.Lys1227Arg; replaces lysine 1227 with arginine.
Molecular consequence: missense variant.
Genome position (GRCh38, 1-based): chr15:44,600,473, T>C on the plus strand (A>G on the coding strand, the complement: SPG11 is on the minus strand). VCF-style: chr15-44600473-T-C. GRCh37 (hg19) VCF-style: chr15-44892671-T-C.
Other names: p.Lys1227Arg; c.3680A>G, p.Lys1227Arg (NM_001160227.2); short protein forms K1227R.
Identifiers: ClinVar variation 970184 (VCV000970184.8), dbSNP rs767920399, ClinGen allele CA7534880.

ClinVar aggregate classification (germline): Uncertain significance. Review status: criteria provided, multiple submitters, no conflicts (2 of 4 stars). 2 submissions from 2 submitters: Uncertain significance (2). Last evaluated 2025-11-05.

Conditions:
Hereditary spastic paraplegia 11. Also called: Nakamura Osame syndrome; Autosomal recessive hereditary spastic paraplegia, mental impairment, and thin corpus callosum; Spastic Paraplegia 11; Spastic paraplegia, mental retardation and thin corpus callosum; SPASTIC PARAPLEGIA, AUTOSOMAL RECESSIVE, COMPLICATED, WITH THIN CORPUS CALLOSUM; SPASTIC PARAPLEGIA, AUTOSOMAL RECESSIVE, WITH MENTAL IMPAIRMENT AND THIN CORPUS CALLOSUM. Identifiers: Orphanet 2822, MedGen C1858479, MONDO:0011445, OMIM 604360.

Allele frequency attached by ClinVar (database versions not stated): TOPMed below 0.00001; gnomAD 0.00001; gnomAD exomes 0.00001; ExAC 0.00002.
gnomAD v4.1: 18 of 1,613,836 alleles (0.0011%); highest among the groups gnomAD compares: East Asian, 0.0045%; no homozygotes.

Submissions (2):

Mayo Clinic Laboratories, Mayo Clinic
Classification: Uncertain significance. Last evaluated: 2025-11-05. Review status: criteria provided, single submitter. Criteria: ACMG Guidelines, 2015. Collection method: clinical testing. Allele origin: germline. Observed: 1 variant allele.
Comment: PM2_supporting

Labcorp Genetics (formerly Invitae), Labcorp
Classification: Uncertain significance for Hereditary spastic paraplegia 11. Last evaluated: 2022-07-27. Review status: criteria provided, single submitter. Criteria: Invitae Variant Classification Sherloc (09022015). Collection method: clinical testing. Allele origin: germline.
Comment: This sequence change replaces lysine, which is basic and polar, with arginine, which is basic and polar, at codon 1227 of the SPG11 protein (p.Lys1227Arg). This variant is present in population databases (rs767920399, gnomAD 0.002%). This missense change has been observed in individual(s) with amyotrophic lateral sclerosis (PMID: 23881933). ClinVar contains an entry for this variant (Variation ID: 970184). Algorithms developed to predict the effect of missense changes on protein structure and function are either unavailable or do not agree on the potential impact of this missense change (SIFT: "Tolerated"; PolyPhen-2: "Possibly Damaging"; Align-GVGD: "Class C0"). In summary, the available evidence is currently insufficient to determine the role of this variant in disease. Therefore, it has been classified as a Variant of Uncertain Significance.

Literature cited by the submitters: PubMed 23881933 (cited by Mayo Clinic Laboratories, Mayo Clinic and Labcorp Genetics (formerly Invitae), Labcorp).